The following is an entry in ClinVar:

NM_005359.6(SMAD4):c.788-9A>C

Gene: SMAD4 (SMAD family member 4; plus strand). Cytogenetic location: 18q21.2.
Variant type: single nucleotide variant.
Coding change: c.788-9A>C on transcript NM_005359.6 (MANE Select); 9 bases into the intron before coding-DNA position 788, A replaced by C.
Molecular consequence: intron variant.
Genome position (GRCh38, 1-based): chr18:51,058,331, A>C. VCF-style: chr18-51058331-A-C. GRCh37 (hg19) VCF-style: chr18-48584701-A-C.
Identifiers: ClinVar variation 460567 (VCV000460567.12), dbSNP rs775484792, ClinGen allele CA8965906.

ClinVar aggregate classification (germline): Conflicting classifications of pathogenicity. Review status: criteria provided, conflicting classifications (1 of 4 stars). 3 submissions from 3 submitters: Uncertain significance (1); Likely benign (2). Last evaluated 2025-03-20.

Conditions:
Juvenile polyposis syndrome (JPS). Identifiers: Orphanet 2929, MedGen C0345893, MONDO:0017380, OMIM 174900.
Juvenile polyposis/hereditary hemorrhagic telangiectasia syndrome (JPHT). Also called: POLYPOSIS, GENERALIZED JUVENILE, WITH PULMONARY ARTERIOVENOUS MALFORMATION; TELANGIECTASIA, HEREDITARY HEMORRHAGIC, WITH JUVENILE POLYPOSIS COLI; Juvenile Polyposis Syndrome / Hereditary Hemorrhagic Telangiectasia (JPS/HHT); JP/HHT SYNDROME; JUVENILE POLYPOSIS WITH HEREDITARY HEMORRHAGIC TELANGIECTASIA. Identifiers: Orphanet 2929, MedGen C1832942, MONDO:0008278, OMIM 175050.

Allele frequency attached by ClinVar (database versions not stated): gnomAD exomes below 0.00001; ExAC 0.00001.
gnomAD v4.1: 1 of 1,610,924 alleles (0.000062%); highest among the groups gnomAD compares: Admixed American, 0.0017%; no homozygotes.

Submissions (3):

Myriad Genetics, Inc.
Classification: Likely benign for Juvenile polyposis/hereditary hemorrhagic telangiectasia syndrome. Last evaluated: 2025-03-20. Review status: criteria provided, single submitter. Criteria: Myriad Autosomal Dominant, Autosomal Recessive and X-Linked Classification Criteria (2023). Collection method: clinical testing. Allele origin: unknown.
Comment: This variant is considered likely benign. This variant is intronic and is not expected to impact mRNA splicing.

Labcorp Genetics (formerly Invitae), Labcorp
Classification: Likely benign for Juvenile polyposis syndrome. Last evaluated: 2024-04-24. Review status: criteria provided, single submitter. Criteria: Invitae Variant Classification Sherloc (09022015). Collection method: clinical testing. Allele origin: germline.

All of Us Research Program, National Institutes of Health
Classification: Uncertain significance for Juvenile polyposis/hereditary hemorrhagic telangiectasia syndrome. Last evaluated: 2023-11-30. Review status: criteria provided, single submitter. Criteria: ACMG Guidelines, 2015. Collection method: clinical testing. Allele origin: germline. Inheritance: Autosomal dominant inheritance. Observed: 2 variant alleles, 2 heterozygotes.
Comment: This variant causes an A to C nucleotide substitution at the -9 position of intron 6 of the SMAD4 gene. To our knowledge, functional studies have not been reported for this variant. This variant has not been reported in individuals affected with SMAD4-related disorders in the literature. This variant has been identified in 1/251390 chromosomes in the general population by the Genome Aggregation Database (gnomAD). The available evidence is insufficient to determine the role of this variant in disease conclusively. Therefore, this variant is classified as a Variant of Uncertain Significance.

This study involves interpretation of variants in research participants for the purpose of population health screening. Participant phenotype was not available at the time of variant classification. Additional details can be found in publication PMID: 35346344, PMCID: PMC8962531